The following is an entry in ClinVar:

NM_006371.5(CRTAP):c.343C>G (p.Arg115Gly)

Gene: CRTAP (cartilage associated protein; plus strand). Cytogenetic location: 3p22.3.
Variant type: single nucleotide variant.
Coding change: c.343C>G on transcript NM_006371.5 (MANE Select); coding-DNA position 343, C replaced by G.
Protein change: p.Arg115Gly; replaces arginine 115 with glycine.
Molecular consequence: missense variant.
Genome position (GRCh38, 1-based): chr3:33,114,420, C>G. VCF-style: chr3-33114420-C-G. GRCh37 (hg19) VCF-style: chr3-33155912-C-G.
Other names: c.343C>G, p.Arg115Gly (NM_001393363.1, NM_001393364.1, NM_001393365.1); short protein forms R115G.
Identifiers: ClinVar variation 2159105 (VCV002159105.4), dbSNP rs1559431447, ClinGen allele CA352008655.

ClinVar aggregate classification (germline): Uncertain significance (1 of 4 stars; one submission).

Conditions:
Osteogenesis imperfecta type 7 (OI7). Also called: OI type 7; OI type VII; OSTEOGENESIS IMPERFECTA, TYPE IIB; Osteogenesis imperfecta type 2B; OI type 2B; Osteogenesis imperfecta, perinatal lethal autosomal recessive. Identifiers: MedGen C1853162, MONDO:0012536, OMIM 610682.

Submission:

Labcorp Genetics (formerly Invitae), Labcorp
Classification: Uncertain significance for Osteogenesis imperfecta type 7. Last evaluated: 2022-01-31. Review status: criteria provided, single submitter. Criteria: Invitae Variant Classification Sherloc (09022015). Collection method: clinical testing. Allele origin: germline.
Comment: In summary, the available evidence is currently insufficient to determine the role of this variant in disease. Therefore, it has been classified as a Variant of Uncertain Significance. Algorithms developed to predict the effect of missense changes on protein structure and function are either unavailable or do not agree on the potential impact of this missense change (SIFT: "Tolerated"; PolyPhen-2: "Possibly Damaging"; Align-GVGD: "Class C0"). This variant has not been reported in the literature in individuals affected with CRTAP-related conditions. This variant is not present in population databases (gnomAD no frequency). This sequence change replaces arginine, which is basic and polar, with glycine, which is neutral and non-polar, at codon 115 of the CRTAP protein (p.Arg115Gly).